The following is an entry in ClinVar:

ClinVar aggregate classification (germline): Pathogenic/Likely pathogenic. Review status: criteria provided, multiple submitters, no conflicts (2 of 4 stars). 3 submissions from 3 submitters: Pathogenic (2); Likely pathogenic (1). Last evaluated 2024-05-21.

Conditions:
Saethre-Chotzen syndrome (SCS). Also called: ACROCEPHALY, SKULL ASYMMETRY, AND MILD SYNDACTYLY; ACS III; CHOTZEN SYNDROME. Identifiers: Orphanet 794, MedGen C0175699, MONDO:0007042, OMIM 101400.
TWIST1-related craniosynostosis (CRS1). Also called: CRANIOSYNOSTOSIS 1. Identifiers: Orphanet 63440, MedGen C4551902, MONDO:0007399, OMIM 123100. Inheritance: Heterogenous inheritance pattern.

Submissions (3):

GeneDx
Classification: Likely pathogenic. Last evaluated: 2024-05-21. Review status: criteria provided, single submitter. Criteria: GeneDx Variant Classification Process June 2021. Collection method: clinical testing. Allele origin: germline. Affected: yes.
Comment: Frameshift variant predicted to result in abnormal protein length as the last 144 amino acids are replaced with 65 different amino acids, and other similar variants have been reported in HGMD; Not observed at significant frequency in large population cohorts (gnomAD); Previously identified in a patient with craniosynostosis (PMID: 16838304); This variant is associated with the following publications: (PMID: 10749989, 17621648, 16838304)

Labcorp Genetics (formerly Invitae), Labcorp
Classification: Pathogenic for TWIST1-related craniosynostosis; Saethre-Chotzen syndrome. Last evaluated: 2024-01-11. Review status: criteria provided, single submitter. Criteria: Invitae Variant Classification Sherloc (09022015). Collection method: clinical testing. Allele origin: germline.
Comment: This sequence change creates a premature translational stop signal (p.Gly59Alafs*66) in the TWIST1 gene. It is expected to result in an absent or disrupted protein product. Loss-of-function variants in TWIST1 are known to be pathogenic (PMID: 10749989). This variant is not present in population databases (gnomAD no frequency). This premature translational stop signal has been observed in individual(s) with craniosynostosis (PMID: 16838304). For these reasons, this variant has been classified as Pathogenic.

Clinical Genetics Service, Universitary Hospital 12 de Octubre
Classification: Pathogenic for Saethre-Chotzen syndrome. Review status: criteria provided, single submitter. Criteria: ACMG Guidelines, 2015. Collection method: clinical testing. Allele origin: paternal. Affected: yes.

Literature cited by the submitters: PubMed 10749989 (cited by Labcorp Genetics (formerly Invitae), Labcorp); PubMed 16838304 (cited by Labcorp Genetics (formerly Invitae), Labcorp).

NM_000474.4(TWIST1):c.176del (p.Gly59fs)

Gene: TWIST1 (twist family bHLH transcription factor 1; minus strand). Cytogenetic location: 7p21.1.
Variant type: Deletion.
Coding change: c.176del on transcript NM_000474.4 (MANE Select); coding-DNA position 176, one base deleted (G; older notation c.176delG).
Protein change: p.Gly59fs; shifts the reading frame from glycine 59.
Molecular consequence: frameshift variant. On other transcripts: non-coding transcript variant (1).
Genome position (GRCh38, 1-based): chr7:19,117,146, C deleted on the plus strand (G on the coding strand, the reverse complement: TWIST1 is on the minus strand); the first of 5 consecutive C bases (chr7:19,117,146-19,117,150); deleting any one gives the same sequence. VCF-style (leftmost placement, unchanged base first): chr7-19117145-GC-G. GRCh37 (hg19) VCF-style: chr7-19156768-GC-G.
Other names: c.176del (NM_000474.3); c.176delG (NM_000474.3); short protein forms G59fs.
Identifiers: ClinVar variation 2925395 (VCV002925395.5), dbSNP rs2486051311, ClinGen allele CA2681939686.
Genomic context (GRCh38, chr7:19,117,145, plus strand): 5'-CGCAGACTTCTTGCCGCGCTTGCCCTGGGCCGGGCTGCCCGGCTCGTCGCCGCCTCCGAC[GC>G]CCCCACCCGCGGCTCCGCCGGGCCCCGCGCCGCCGCCCGCGCTGCGCCTGCTGCTGCGCC-3'